The following is an entry in ClinVar:

NM_000642.3(AGL):c.3446A>G (p.Asn1149Ser)

Gene: AGL (amylo-alpha-1,6-glucosidase and 4-alpha-glucanotransferase; plus strand). Cytogenetic location: 1p21.2.
Variant type: single nucleotide variant.
Coding change: c.3446A>G on transcript NM_000642.3 (MANE Select); coding-DNA position 3446, A replaced by G.
Protein change: p.Asn1149Ser; replaces asparagine 1149 with serine.
Molecular consequence: missense variant.
Genome position (GRCh38, 1-based): chr1:99,900,719, A>G. VCF-style: chr1-99900719-A-G. GRCh37 (hg19) VCF-style: chr1-100366275-A-G.
Other names: c.3446A>G, p.Asn1149Ser (NM_000644.3, NM_001425325.1, NM_000028.3 and 1 more transcripts); c.3398A>G, p.Asn1133Ser (NM_000646.3); c.3425A>G, p.Asn1142Ser (NM_001425326.1); c.3245A>G, p.Asn1082Ser (NM_001425327.1); c.3242A>G, p.Asn1081Ser (NM_001425328.1); c.3107A>G, p.Asn1036Ser (NM_001425329.1); c.3068A>G, p.Asn1023Ser (NM_001425332.1); short protein forms N1133S, N1149S, N1023S, N1036S, N1081S, N1082S, N1142S.
Identifiers: ClinVar variation 2190285 (VCV002190285.2), dbSNP rs1188420969, ClinGen allele CA341331306.

ClinVar aggregate classification (germline): Uncertain significance (1 of 4 stars; one submission).

Conditions:
Glycogen storage disease type III (GSD3). Also called: Cori disease; FORBES DISEASE. Identifiers: Orphanet 366, MedGen C0017922, MONDO:0009291, OMIM 232400.

Allele frequency attached by ClinVar (database versions not stated): gnomAD exomes below 0.00001; gnomAD 0.00001.
gnomAD v4.1: 6 of 1,613,954 alleles (0.00037%); highest among the groups gnomAD compares: Non-Finnish European, 0.00051%; no homozygotes.

Submission:

Labcorp Genetics (formerly Invitae), Labcorp
Classification: Uncertain significance for Glycogen storage disease type III. Last evaluated: 2024-11-10. Review status: criteria provided, single submitter. Criteria: Invitae Variant Classification Sherloc (09022015). Collection method: clinical testing. Allele origin: germline.
Comment: This sequence change replaces asparagine, which is neutral and polar, with serine, which is neutral and polar, at codon 1149 of the AGL protein (p.Asn1149Ser). This variant is present in population databases (no rsID available, gnomAD 0.007%). This variant has not been reported in the literature in individuals affected with AGL-related conditions. ClinVar contains an entry for this variant (Variation ID: 2190285). Invitae Evidence Modeling of protein sequence and biophysical properties (such as structural, functional, and spatial information, amino acid conservation, physicochemical variation, residue mobility, and thermodynamic stability) indicates that this missense variant is expected to disrupt AGL protein function with a positive predictive value of 80%. In summary, the available evidence is currently insufficient to determine the role of this variant in disease. Therefore, it has been classified as a Variant of Uncertain Significance.